The following is an entry in ClinVar:

NM_016653.3(MAP3K20):c.1346G>A (p.Gly449Glu)

Genes: MAP3K20 (mitogen-activated protein kinase kinase kinase 20; plus strand), MAP3K20-AS1 (MAP3K20 antisense RNA 1; minus strand). Cytogenetic location: 2q31.1.
Variant type: single nucleotide variant.
Coding change: c.1346G>A on transcript NM_016653.3 (MANE Select); coding-DNA position 1346, G replaced by A.
Protein change: p.Gly449Glu; replaces glycine 449 with glutamic acid.
Molecular consequence: missense variant.
Genome position (GRCh38, 1-based): chr2:173,239,483, G>A. VCF-style: chr2-173239483-G-A. GRCh37 (hg19) VCF-style: chr2-174104211-G-A.
Other names: short protein forms G449E.
Identifiers: ClinVar variation 734728 (VCV000734728.16), dbSNP rs201693932, ClinGen allele CA1970806.
Genomic context (GRCh38, chr2:173,239,483, plus strand): 5'-AAGAAAATGAGGAAAAAATAGTGAACCTGGAACTGGTTTTTGGTTTTCACTTGAAACCAG[G>A]AACTGGCCCACAGGTAAATCACATTTTAAATCCTTTGGATAAATCTCAATCGAACTACTC-3'
Protein context (NP_057737.2, residues 439-459): ELVFGFHLKP[Gly449Glu]TGPQDCKWKM

ClinVar aggregate classification (germline): Conflicting classifications of pathogenicity. Review status: criteria provided, conflicting classifications (1 of 4 stars). 4 submissions from 4 submitters: Uncertain significance (1); Likely benign (2). 1 of the submissions does not count toward it. Last evaluated 2026-06-01.

Conditions:
MAP3K20-related disorder. Also called: MAP3K20-related condition.

Allele frequency attached by ClinVar (database versions not stated): 1000 Genomes Project 30x 0.00016; 1000 Genomes Project 0.00020; gnomAD 0.00056 and 0.00059; gnomAD exomes 0.00056 and 0.00073; ExAC 0.00063; TOPMed 0.00072; ESP Exome Variant Server 0.00077.
gnomAD v4.1: 957 of 1,611,830 alleles (0.059%); highest among the groups gnomAD compares: Middle Eastern, 0.74%; 2 homozygotes.

Submissions (4):

CeGaT Center for Human Genetics Tuebingen
Classification: Likely benign. Last evaluated: 2026-06-01. Review status: criteria provided, single submitter. Criteria: CeGaT Center For Human Genetics Tuebingen Variant Classification Criteria Version 2. Collection method: clinical testing. Allele origin: germline. Affected: yes. Observed: 1 variant allele.
Comment: MAP3K20: BS1

Labcorp Genetics (formerly Invitae), Labcorp
Classification: Likely benign. Last evaluated: 2026-01-20. Review status: criteria provided, single submitter. Criteria: Invitae Variant Classification Sherloc (09022015). Collection method: clinical testing. Allele origin: germline.

Revvity Omics, Revvity
Classification: Uncertain significance. Last evaluated: 2022-10-12. Review status: criteria provided, single submitter. Criteria: ACMG Guidelines, 2015. Collection method: clinical testing. Allele origin: germline.

PreventionGenetics, part of Exact Sciences
Classification: Benign for MAP3K20-related condition. Last evaluated: 2020-08-10. Review status: no assertion criteria provided. Collection method: clinical testing. Allele origin: germline. Not counted in ClinVar's aggregate classification.
Comment: This variant is classified as benign based on ACMG/AMP sequence variant interpretation guidelines (Richards et al. 2015 PMID: 25741868, with internal and published modifications).